The following is an entry in ClinVar:

ClinVar aggregate classification (germline): Uncertain significance (1 of 4 stars; one submission).

Conditions:
Bloom syndrome (BLM). Also called: Bloom-Torre-Machacek syndrome. Identifiers: Orphanet 125, MedGen C0005859, MONDO:0008876, OMIM 210900.

Submission:

Labcorp Genetics (formerly Invitae), Labcorp
Classification: Uncertain significance for Bloom syndrome. Last evaluated: 2021-09-10. Review status: criteria provided, single submitter. Criteria: Invitae Variant Classification Sherloc (09022015). Collection method: clinical testing. Allele origin: germline.
Comment: Algorithms developed to predict the effect of missense changes on protein structure and function (SIFT, PolyPhen-2, Align-GVGD) all suggest that this variant is likely to be tolerated. This sequence change replaces histidine with leucine at codon 641 of the BLM protein (p.His641Leu). The histidine residue is moderately conserved and there is a moderate physicochemical difference between histidine and leucine. This variant is not present in population databases (ExAC no frequency). This variant has not been reported in the literature in individuals affected with BLM-related conditions. In summary, the available evidence is currently insufficient to determine the role of this variant in disease. Therefore, it has been classified as a Variant of Uncertain Significance.

NM_000057.4(BLM):c.1922A>T (p.His641Leu)

Gene: BLM (BLM RecQ like helicase; plus strand). Cytogenetic location: 15q26.1.
Variant type: single nucleotide variant.
Coding change: c.1922A>T on transcript NM_000057.4 (MANE Select); coding-DNA position 1922, A replaced by T.
Protein change: p.His641Leu; replaces histidine 641 with leucine.
Molecular consequence: missense variant.
Genome position (GRCh38, 1-based): chr15:90,763,005, A>T. VCF-style: chr15-90763005-A-T. GRCh37 (hg19) VCF-style: chr15-91306235-A-T.
Other names: c.1922A>T, p.His641Leu (NM_001287246.2, NM_001287247.2); c.797A>T, p.His266Leu (NM_001287248.2); short protein forms H641L, H266L.
Identifiers: ClinVar variation 1415658 (VCV001415658.6), dbSNP rs2151160545, ClinGen allele CA393844149.
Genomic context (GRCh38, chr15:90,763,005, plus strand): 5'-TAACGTTGATTATTTTCCTAGACAAGTCAGCACAAAATTTAGCATCCAGAAATCTGAAAC[A>T]TGAGCGTTTCCAAAGTCTTAGTTTTCCTCATACAAAGGAAATGATGAAGATTTTTCATAA-3'
Protein context (NP_000048.1, residues 631-651): AQNLASRNLK[His641Leu]ERFQSLSFPH